The following is an entry in ClinVar:

ClinVar aggregate classification (germline): Uncertain significance (1 of 4 stars; one submission).

Conditions:
Bethlem myopathy 1A. Also called: Bethlem myopathy 1; MYOPATHY, BENIGN CONGENITAL, WITH CONTRACTURES; Bethlem Muscular Dystrophy. Identifiers: Orphanet 610, MedGen CN029274, MONDO:0024530, OMIM 158810.

gnomAD v4.1: 13 of 1,614,200 alleles (0.00081%); highest among the groups gnomAD compares: South Asian, 0.011%; no homozygotes.

Submission:

Labcorp Genetics (formerly Invitae), Labcorp
Classification: Uncertain significance for Bethlem myopathy 1A. Last evaluated: 2025-03-22. Review status: criteria provided, single submitter. Criteria: Invitae Variant Classification Sherloc (09022015). Collection method: clinical testing. Allele origin: germline.
Comment: This sequence change replaces aspartic acid, which is acidic and polar, with asparagine, which is neutral and polar, at codon 1695 of the COL6A3 protein (p.Asp1695Asn). This variant is present in population databases (no rsID available, gnomAD 0.007%). This variant has not been reported in the literature in individuals affected with COL6A3-related conditions. ClinVar contains an entry for this variant (Variation ID: 2882221). Invitae Evidence Modeling of protein sequence and biophysical properties (such as structural, functional, and spatial information, amino acid conservation, physicochemical variation, residue mobility, and thermodynamic stability) indicates that this missense variant is not expected to disrupt COL6A3 protein function with a negative predictive value of 80%. In summary, the available evidence is currently insufficient to determine the role of this variant in disease. Therefore, it has been classified as a Variant of Uncertain Significance.

NM_004369.4(COL6A3):c.5083G>A (p.Asp1695Asn)

Gene: COL6A3 (collagen type VI alpha 3 chain; minus strand). Cytogenetic location: 2q37.3.
Variant type: single nucleotide variant.
Coding change: c.5083G>A on transcript NM_004369.4 (MANE Select); coding-DNA position 5083, G replaced by A.
Protein change: p.Asp1695Asn; replaces aspartic acid 1695 with asparagine.
Molecular consequence: missense variant.
Genome position (GRCh38, 1-based): chr2:237,367,104, C>T on the plus strand (G>A on the coding strand, the complement: COL6A3 is on the minus strand). VCF-style: chr2-237367104-C-T. GRCh37 (hg19) VCF-style: chr2-238275747-C-T.
Other names: c.3262G>A, p.Asp1088Asn (NM_057166.5); c.4465G>A, p.Asp1489Asn (NM_057167.4); short protein forms D1088N, D1489N, D1695N.
Identifiers: ClinVar variation 2882221 (VCV002882221.3), dbSNP rs893849391, ClinGen allele CA351188954.